The following is an entry in ClinVar:

ClinVar aggregate classification (germline): Conflicting classifications of pathogenicity. Review status: criteria provided, conflicting classifications (1 of 4 stars). 3 submissions from 3 submitters: Uncertain significance (1); Benign (1); Likely benign (1). Last evaluated 2025-10-27.

Conditions:
Inborn genetic diseases. Identifiers: MedGen C0950123, MeSH D030342.
Developmental and epileptic encephalopathy, 54. Also called: Epileptic encephalopathy, early infantile, 54; HNRNPU-Related Neurodevelopmental Disorder. Identifiers: MedGen C4479319, MONDO:0033363, OMIM 617391.

Submissions (3):

Labcorp Genetics (formerly Invitae), Labcorp
Classification: Benign for Developmental and epileptic encephalopathy, 54. Last evaluated: 2025-10-27. Review status: criteria provided, single submitter. Criteria: Invitae Variant Classification Sherloc (09022015). Collection method: clinical testing. Allele origin: germline.

GeneDx
Classification: Uncertain significance. Last evaluated: 2023-05-07. Review status: criteria provided, single submitter. Criteria: GeneDx Variant Classification Process June 2021. Collection method: clinical testing. Allele origin: germline. Affected: yes.
Comment: In silico analysis supports a deleterious effect on protein structure/function; Has not been previously published as pathogenic or benign to our knowledge

Ambry Genetics
Classification: Likely benign for Inborn genetic diseases. Last evaluated: 2018-01-24. Review status: criteria provided, single submitter. Criteria: Ambry Variant Classification Scheme 2023. Collection method: clinical testing. Allele origin: germline.

NM_031844.3(HNRNPU):c.374_375delinsCC (p.Glu125Ala)

Gene: HNRNPU (heterogeneous nuclear ribonucleoprotein U; minus strand). Cytogenetic location: 1q44.
Variant type: Indel.
Coding change: c.374_375delinsCC on transcript NM_031844.3 (MANE Select); coding-DNA positions 374 to 375, AG replaced by CC.
Protein change: p.Glu125Ala; replaces glutamic acid 125 with alanine.
Molecular consequence: missense variant.
Genome position (GRCh38, 1-based): chr1:244,863,933-244,863,934, CT replaced by GG on the plus strand (AG replaced by CC on the coding strand, the reverse complement: HNRNPU is on the minus strand). VCF-style: chr1-244863933-CT-GG. GRCh37 (hg19) VCF-style: chr1-245027235-CT-GG.
Other names: c.374_375delAGinsCC (NM_031844.2); c.374_375delinsCC, p.Glu125Ala (NM_004501.3); short protein forms E125A.
Identifiers: ClinVar variation 833945 (VCV000833945.11), dbSNP rs1680928684, ClinGen allele CA916082166.